The following is an entry in ClinVar:

NM_212482.4(FN1):c.506G>A (p.Cys169Tyr)

Gene: FN1 (fibronectin 1; minus strand). Cytogenetic location: 2q35.
Variant type: single nucleotide variant.
Coding change: c.506G>A on transcript NM_212482.4 (MANE Select); coding-DNA position 506, G replaced by A.
Protein change: p.Cys169Tyr; replaces cysteine 169 with tyrosine.
Molecular consequence: missense variant.
Genome position (GRCh38, 1-based): chr2:215,431,874, C>T on the plus strand (G>A on the coding strand, the complement: FN1 is on the minus strand). VCF-style: chr2-215431874-C-T. GRCh37 (hg19) VCF-style: chr2-216296597-C-T.
Other names: c.506G>A, p.Cys169Tyr (NM_001306129.2, NM_001365517.2, NM_001365518.2 and 14 more transcripts); short protein forms C169Y.
Identifiers: ClinVar variation 549709 (VCV000549709.2), dbSNP rs1559609410, ClinGen allele CA350476808.

ClinVar aggregate classification (germline): Likely pathogenic (0 of 4 stars; one submission).

Conditions:
Spondylometaphyseal dysplasia. Identifiers: Orphanet 254, MedGen C4759767, MONDO:0016763, HP:0002657.

Submission:

CHU Sainte-Justine Research Center, University of Montreal
Classification: Likely pathogenic for Spondylometaphyseal dysplasia. Last evaluated: 2018-05-09. Review status: no assertion criteria provided. Collection method: research. Allele origin: germline. Affected: yes.
Comment: 6 Individuals with novel FN1 mutations and spondylometaphyseal dysplasia